The following is an entry in ClinVar:

ClinVar aggregate classification (germline): Likely benign (1 of 4 stars; one submission).

Allele frequency attached by ClinVar (database versions not stated): gnomAD exomes 0.00004; ExAC 0.00011; ESP Exome Variant Server 0.00019.
gnomAD v4.1: 48 of 1,189,572 alleles (0.004%); highest among the groups gnomAD compares: Middle Eastern, 0.07%; no homozygotes.

Submission:

CeGaT Center for Human Genetics Tuebingen
Classification: Likely benign. Last evaluated: 2022-06-01. Review status: criteria provided, single submitter. Criteria: CeGaT Center For Human Genetics Tuebingen Variant Classification Criteria Version 2. Collection method: clinical testing. Allele origin: germline. Affected: yes. Observed: 1 variant allele.
Comment: XPNPEP2: BP4, BP7

NM_003399.6(XPNPEP2):c.1854C>T (p.Tyr618=)

Gene: XPNPEP2 (X-prolyl aminopeptidase 2; plus strand). Cytogenetic location: Xq26.1.
Variant type: single nucleotide variant.
Coding change: c.1854C>T on transcript NM_003399.6 (MANE Select); coding-DNA position 1854, C replaced by T.
Protein change: p.Tyr618=; no amino-acid change (tyrosine 618 retained).
Molecular consequence: synonymous variant.
Genome position (GRCh38, 1-based): chrX:129,768,314, C>T. VCF-style: chrX-129768314-C-T. GRCh37 (hg19) VCF-style: chrX-128902290-C-T.
Identifiers: ClinVar variation 2661401 (VCV002661401.24), dbSNP rs142912864, ClinGen allele CA10513110.
Genomic context (GRCh38, chrX:129,768,314, plus strand): 5'-GGCTTAGAGAGGCTGTCACCCCTTCTATCCTTCGCAGCTCCAGTACCTGAATCGCTACTA[C>T]CAGACCATCCGGGAGAAGGTGGGTCCAGAGCTGCAGAGGCGCCAGCTACTAGAGGAGTTC-3'
Protein context (NP_003390.4, residues 608-628): PEHLQYLNRY[Tyr618=]QTIREKVGPE